The following is an entry in ClinVar:

ClinVar aggregate classification (germline): Conflicting classifications of pathogenicity. Review status: criteria provided, conflicting classifications (1 of 4 stars). 5 submissions from 5 submitters: Uncertain significance (1); Likely benign (3). 1 of the submissions does not count toward it. Last evaluated 2026-01-09.

Conditions:
Ellis-van Creveld syndrome (EVC). Also called: Chondroectodermal dysplasia; MESOECTODERMAL DYSPLASIA. Identifiers: Orphanet 289, MedGen C0013903, MONDO:0009162, OMIM 225500.
Curry-Hall syndrome (WAD). Also called: WEYERS ACRODENTAL DYSOSTOSIS. Identifiers: Orphanet 952, MedGen C0457013, MONDO:0008673, OMIM 193530.

Allele frequency attached by ClinVar (database versions not stated): ExAC below 0.00001; TOPMed 0.00014; gnomAD 0.00015; 1000 Genomes Project 30x 0.00281.
gnomAD v4.1: 357 of 1,106,800 alleles (0.032%); highest among the groups gnomAD compares: South Asian, 0.71%; 1 homozygote.

Submissions (5):

Labcorp Genetics (formerly Invitae), Labcorp
Classification: Likely benign for Curry-Hall syndrome; Ellis-van Creveld syndrome. Last evaluated: 2026-01-09. Review status: criteria provided, single submitter. Criteria: Invitae Variant Classification Sherloc (09022015). Collection method: clinical testing. Allele origin: germline.

CeGaT Center for Human Genetics Tuebingen
Classification: Likely benign. Last evaluated: 2024-08-01. Review status: criteria provided, single submitter. Criteria: CeGaT Center For Human Genetics Tuebingen Variant Classification Criteria Version 2. Collection method: clinical testing. Allele origin: germline. Affected: yes. Observed: 3 variant alleles.
Comment: EVC: BP4, BP7

Blueprint Genetics
Classification: Likely benign. Last evaluated: 2024-07-15. Review status: criteria provided, single submitter. Criteria: ACMG Guidelines, 2015. Collection method: clinical testing. Allele origin: germline.

Illumina Laboratory Services, Illumina
Classification: Uncertain significance for Ellis-van Creveld syndrome. Last evaluated: 2018-01-13. Review status: criteria provided, single submitter. Criteria: ICSL Variant Classification Criteria 13 December 2019. Collection method: clinical testing. Allele origin: germline.

Natera, Inc.
Classification: Likely benign for Ellis-van Creveld syndrome. Last evaluated: 2020-04-21. Review status: no assertion criteria provided. Collection method: clinical testing. Allele origin: germline. Not counted in ClinVar's aggregate classification.

NM_153717.3(EVC):c.105C>A (p.Gly35=)

Gene: EVC (EvC ciliary complex subunit 1; plus strand). Cytogenetic location: 4p16.2.
Variant type: single nucleotide variant.
Coding change: c.105C>A on transcript NM_153717.3 (MANE Select); coding-DNA position 105, C replaced by A.
Protein change: p.Gly35=; no amino-acid change (glycine 35 retained).
Molecular consequence: synonymous variant.
Genome position (GRCh38, 1-based): chr4:5,711,485, C>A. VCF-style: chr4-5711485-C-A. GRCh37 (hg19) VCF-style: chr4-5713212-C-A.
Other names: c.105C>A, p.Gly35= (NM_001306090.2, NM_001306092.2).
Identifiers: ClinVar variation 349105 (VCV000349105.55), dbSNP rs745558003, ClinGen allele CA2835569.